The following is an entry in ClinVar:

NM_014974.3(DIP2C):c.2118C>T (p.Leu706=)

Gene: DIP2C (DIP2 acetate--CoA ligase C (putative); minus strand). Cytogenetic location: 10p15.3.
Variant type: single nucleotide variant.
Coding change: c.2118C>T on transcript NM_014974.3 (MANE Select); coding-DNA position 2118, C replaced by T.
Protein change: p.Leu706=; no amino-acid change (leucine 706 retained).
Molecular consequence: synonymous variant.
Genome position (GRCh38, 1-based): chr10:369,507, G>A on the plus strand (C>T on the coding strand, the complement: DIP2C is on the minus strand). VCF-style: chr10-369507-G-A. GRCh37 (hg19) VCF-style: chr10-415447-G-A.
Identifiers: ClinVar variation 778965 (VCV000778965.33), dbSNP rs143486792, ClinGen allele CA5380588.

ClinVar aggregate classification (germline): Likely benign. Review status: criteria provided, multiple submitters, no conflicts (2 of 4 stars). 3 submissions from 3 submitters: Likely benign (3). Last evaluated 2026-02-01.

Allele frequency attached by ClinVar (database versions not stated): 1000 Genomes Project 0.00040; ESP Exome Variant Server 0.00046; TOPMed 0.00101; gnomAD exomes 0.00103; 1000 Genomes Project 30x 0.00062; gnomAD 0.00076; ExAC 0.00096.
gnomAD v4.1: 1,042 of 1,547,800 alleles (0.067%); highest among the groups gnomAD compares: Middle Eastern, 1.2%; 4 homozygotes.

Submissions (3):

Labcorp Genetics (formerly Invitae), Labcorp
Classification: Likely benign. Last evaluated: 2026-02-01. Review status: criteria provided, single submitter. Criteria: Invitae Variant Classification Sherloc (09022015). Collection method: clinical testing. Allele origin: germline.

CeGaT Center for Human Genetics Tuebingen
Classification: Likely benign. Last evaluated: 2023-07-01. Review status: criteria provided, single submitter. Criteria: CeGaT Center For Human Genetics Tuebingen Variant Classification Criteria Version 2. Collection method: clinical testing. Allele origin: germline. Affected: yes. Observed: 2 variant alleles.
Comment: DIP2C: BP4, BP7

Breakthrough Genomics
Classification: Likely benign. Review status: criteria provided, single submitter. Criteria: ACMG Guidelines, 2015. Collection method: not provided. Allele origin: germline. Inheritance: Unknown mechanism. Affected: yes.